The following is an entry in ClinVar:

NM_014425.5(INVS):c.1639G>C (p.Gly547Arg)

Gene: INVS (inversin; plus strand). Cytogenetic location: 9q31.1.
Variant type: single nucleotide variant.
Coding change: c.1639G>C on transcript NM_014425.5 (MANE Select); coding-DNA position 1639, G replaced by C.
Protein change: p.Gly547Arg; replaces glycine 547 with arginine.
Molecular consequence: missense variant. On other transcripts: non-coding transcript variant (1).
Genome position (GRCh38, 1-based): chr9:100,272,931, G>C. VCF-style: chr9-100272931-G-C. GRCh37 (hg19) VCF-style: chr9-103035213-G-C.
Other names: c.1351G>C, p.Gly451Arg (NM_001318381.2); c.661G>C, p.Gly221Arg (NM_001318382.2); c.1639G>C (NM_014425.2); short protein forms G547R, G221R, G451R.
Identifiers: ClinVar variation 593617 (VCV000593617.14), dbSNP rs368682890, ClinGen allele CA5158457.

ClinVar aggregate classification (germline): Uncertain significance. Review status: criteria provided, multiple submitters, no conflicts (2 of 4 stars). 4 submissions from 4 submitters: Uncertain significance (4). Last evaluated 2024-10-15.

Conditions:
Inborn genetic diseases. Identifiers: MedGen C0950123, MeSH D030342.
Nephronophthisis. Also called: Juvenile Nephronophthisis. Identifiers: Orphanet 655, MedGen C0687120, MONDO:0019005, HP:0000090.

Allele frequency attached by ClinVar (database versions not stated): gnomAD 0.00003; TOPMed 0.00010.
gnomAD v4.1: 29 of 1,613,918 alleles (0.0018%); highest among the groups gnomAD compares: African/African-American, 0.032%; no homozygotes.

Submissions (4):

Labcorp Genetics (formerly Invitae), Labcorp
Classification: Uncertain significance for Nephronophthisis. Last evaluated: 2024-10-15. Review status: criteria provided, single submitter. Criteria: Invitae Variant Classification Sherloc (09022015). Collection method: clinical testing. Allele origin: germline.
Comment: This sequence change replaces glycine, which is neutral and non-polar, with arginine, which is basic and polar, at codon 547 of the INVS protein (p.Gly547Arg). This variant is present in population databases (rs368682890, gnomAD 0.02%). This variant has not been reported in the literature in individuals affected with INVS-related conditions. ClinVar contains an entry for this variant (Variation ID: 593617). An algorithm developed to predict the effect of missense changes on protein structure and function (PolyPhen-2) suggests that this variant is likely to be disruptive. In summary, the available evidence is currently insufficient to determine the role of this variant in disease. Therefore, it has been classified as a Variant of Uncertain Significance.

Blueprint Genetics
Classification: Uncertain significance. Last evaluated: 2023-09-28. Review status: criteria provided, single submitter. Criteria: ACMG Guidelines, 2015. Collection method: clinical testing. Allele origin: germline.

Ambry Genetics
Classification: Uncertain significance for Inborn genetic diseases. Last evaluated: 2023-03-21. Review status: criteria provided, single submitter. Criteria: Ambry Variant Classification Scheme 2023. Collection method: clinical testing. Allele origin: germline.

Eurofins Ntd Llc (ga)
Classification: Uncertain significance. Last evaluated: 2017-08-11. Review status: criteria provided, single submitter. Criteria: EGL Classification Definitions 2015. Collection method: clinical testing. Allele origin: germline. Observed: 1 variant allele, 1 heterozygote.